The following is an entry in ClinVar:

NM_000481.4(AMT):c.1066_1067del (p.Leu356fs)

Gene: AMT (aminomethyltransferase; minus strand). Cytogenetic location: 3p21.31.
Variant type: Microsatellite.
Coding change: c.1066_1067del on transcript NM_000481.4 (MANE Select); coding-DNA positions 1066 to 1067, 2 bases deleted (CT; older notation c.1066_1067delCT).
Protein change: p.Leu356fs; shifts the reading frame from leucine 356.
Molecular consequence: frameshift variant. On other transcripts: non-coding transcript variant (1).
Genome position (GRCh38, 1-based): chr3:49,417,685-49,417,686, AG deleted on the plus strand (CT on the coding strand, the reverse complement: AMT is on the minus strand); deleting any 2 consecutive bases within chr3:49,417,685-49,417,690 gives the same sequence; the c. name uses the placement nearest the transcript's 3' end. VCF-style (leftmost placement, unchanged base first): chr3-49417684-CAG-C. GRCh37 (hg19) VCF-style: chr3-49455117-CAG-C.
Other names: c.934_935del, p.Leu312fs (NM_001164710.2); c.898_899del, p.Leu300fs (NM_001164711.2); c.1066_1067del, p.Leu356fs (NM_001164712.2); short protein forms L300fs, L312fs, L356fs.
Identifiers: ClinVar variation 2431653 (VCV002431653.3), dbSNP rs2471145430, ClinGen allele CA913102968.
Genomic context (GRCh38, chr3:49,417,684, plus strand): 5'-CAGCATTGTCCCTGGACGACTGTACTCGCAGGGCACATAACCCATCGCCACATTCTTCTT[CAG>C]AGAGGGGGAGGGGCAGCCACTAGTCACAGTACCTGTCAAGCAAGCATAAGCCACGCATCA-3'

ClinVar aggregate classification (germline): Pathogenic/Likely pathogenic. Review status: criteria provided, multiple submitters, no conflicts (2 of 4 stars). 2 submissions from 2 submitters: Pathogenic (1); Likely pathogenic (1). Last evaluated 2026-01-05.

Conditions:
Glycine encephalopathy. Also called: Nonketotic hyperglycinemia; Non-ketotic hyperglycinemia. Identifiers: Orphanet 407, MedGen C0751748, MONDO:0011612, HP:0008288.
Glycine encephalopathy 2 (GCE2). Identifiers: MedGen C5830559, MONDO:0958192, OMIM 620398.

Submissions (2):

Myriad Genetics, Inc.
Classification: Pathogenic for Glycine encephalopathy 2. Last evaluated: 2026-01-05. Review status: criteria provided, single submitter. Criteria: Myriad Autosomal Dominant, Autosomal Recessive and X-Linked Classification Criteria (2023). Collection method: clinical testing. Allele origin: unknown.
Comment: NM_000481.3(AMT):c.1066_1067delCT(L356Efs*67) is a readthrough frameshift variant classified as pathogenic in the context of glycine encephalopathy, AMT-related. L356Efs*67 has not been observed in cases with relevant disease. Relevant functional assessments of this variant are not available in the literature. L356Efs*67 has not been observed in referenced population frequency databases. In summary, NM_000481.3(AMT):c.1066_1067delCT(L356Efs*67) is a readthrough frameshift variant in a gene where loss of function is a known mechanism of disease and is predicted to disrupt protein function. Please note: this variant was assessed in the context of healthy population screening.

Laboratorio de Genetica e Diagnostico Molecular, Hospital Israelita Albert Einstein
Classification: Likely pathogenic for Glycine encephalopathy 1. Last evaluated: 2022-07-05. Review status: criteria provided, single submitter. Criteria: ACMG Guidelines, 2015. Collection method: clinical testing. Allele origin: germline. Affected: yes. Observed: 1 variant allele.
Comment: ACMG classification criteria: PVS1 strong, PM2 moderated, PP4